The following is an entry in ClinVar:

NM_016239.4(MYO15A):c.5483G>A (p.Arg1828His)

Gene: MYO15A (myosin XVA; plus strand). Cytogenetic location: 17p11.2.
Variant type: single nucleotide variant.
Coding change: c.5483G>A on transcript NM_016239.4 (MANE Select); coding-DNA position 5483, G replaced by A.
Protein change: p.Arg1828His; replaces arginine 1828 with histidine.
Molecular consequence: missense variant.
Genome position (GRCh38, 1-based): chr17:18,141,095, G>A. VCF-style: chr17-18141095-G-A. GRCh37 (hg19) VCF-style: chr17-18044409-G-A.
Other names: c.5483G>A (NM_016239.3); short protein forms R1828H.
Identifiers: ClinVar variation 3606178 (VCV003606178.4).
Genomic context (GRCh38, chr17:18,141,095, plus strand): 5'-AGCCAGATGTGGTAATGGCACAATTACGCTATTCAGGGGTGCTGGAGACCGTGAGGATCC[G>A]CAAGGAGGGATTTCCAGTGCGCCTGCCTTTCCAGGGGTTCATCGACAGGTATCTTGGTTA-3'
Protein context (NP_057323.3, residues 1818-1838): YSGVLETVRI[Arg1828His]KEGFPVRLPF

ClinVar aggregate classification (germline): Uncertain significance. Review status: criteria provided, multiple submitters, no conflicts (2 of 4 stars). 3 submissions from 3 submitters: Uncertain significance (3). Last evaluated 2025-03-19.

Conditions:
Inborn genetic diseases. Identifiers: MedGen C0950123, MeSH D030342.

gnomAD v4.1: 16 of 1,614,004 alleles (0.00099%); highest among the groups gnomAD compares: African/African-American, 0.004%; no homozygotes.

Submissions (3):

Ambry Genetics
Classification: Uncertain significance for Inborn genetic diseases. Last evaluated: 2025-03-19. Review status: criteria provided, single submitter. Criteria: Ambry Variant Classification Scheme 2023. Collection method: clinical testing. Allele origin: germline.

GeneDx
Classification: Uncertain significance. Last evaluated: 2024-12-20. Review status: criteria provided, single submitter. Criteria: GeneDx Variant Classification Process June 2021. Collection method: clinical testing. Allele origin: germline. Affected: yes.
Comment: In silico analysis supports that this missense variant has a deleterious effect on protein structure/function; Has not been previously published as pathogenic or benign to our knowledge

Labcorp Genetics (formerly Invitae), Labcorp
Classification: Uncertain significance. Last evaluated: 2024-10-03. Review status: criteria provided, single submitter. Criteria: Invitae Variant Classification Sherloc (09022015). Collection method: clinical testing. Allele origin: germline.
Comment: This sequence change replaces arginine, which is basic and polar, with histidine, which is basic and polar, at codon 1828 of the MYO15A protein (p.Arg1828His). This variant is present in population databases (rs199973505, gnomAD 0.008%). This variant has not been reported in the literature in individuals affected with MYO15A-related conditions. Invitae Evidence Modeling of protein sequence and biophysical properties (such as structural, functional, and spatial information, amino acid conservation, physicochemical variation, residue mobility, and thermodynamic stability) indicates that this missense variant is expected to disrupt MYO15A protein function with a positive predictive value of 95%. In summary, the available evidence is currently insufficient to determine the role of this variant in disease. Therefore, it has been classified as a Variant of Uncertain Significance.